The following is an entry in ClinVar:

NM_182746.3(MCM4):c.2082G>C (p.Ala694=)

Gene: MCM4 (minichromosome maintenance complex component 4; plus strand). Cytogenetic location: 8q11.21.
Variant type: single nucleotide variant.
Coding change: c.2082G>C on transcript NM_182746.3 (MANE Select); coding-DNA position 2082, G replaced by C.
Protein change: p.Ala694=; no amino-acid change (alanine 694 retained).
Molecular consequence: synonymous variant.
Genome position (GRCh38, 1-based): chr8:47,973,010, G>C. VCF-style: chr8-47973010-G-C. GRCh37 (hg19) VCF-style: chr8-48885570-G-C.
Other names: c.2082G>C, p.Ala694= (NM_005914.4).
Identifiers: ClinVar variation 910775 (VCV000910775.12), dbSNP rs201709288, ClinGen allele CA4742794.

ClinVar aggregate classification (germline): Benign/Likely benign. Review status: criteria provided, multiple submitters, no conflicts (2 of 4 stars). 2 submissions from 2 submitters: Benign (1); Likely benign (1). Last evaluated 2026-01-12.

Conditions:
Primary immunodeficiency with natural-killer cell deficiency and adrenal insufficiency (IMD54). Also called: Natural killer cell and glucocorticoid deficiency with DNA repair defect; IMMUNODEFICIENCY 54. Identifiers: Orphanet 75391, MedGen C1864947, MONDO:0012383, OMIM 609981.

Allele frequency attached by ClinVar (database versions not stated): TOPMed 0.00018; 1000 Genomes Project 0.00060; 1000 Genomes Project 30x 0.00062.
gnomAD v4.1: 231 of 1,614,022 alleles (0.014%); highest among the groups gnomAD compares: East Asian, 0.37%; no homozygotes.

Submissions (2):

Labcorp Genetics (formerly Invitae), Labcorp
Classification: Benign. Last evaluated: 2026-01-12. Review status: criteria provided, single submitter. Criteria: Invitae Variant Classification Sherloc (09022015). Collection method: clinical testing. Allele origin: germline.

Illumina Laboratory Services, Illumina
Classification: Likely benign for Primary immunodeficiency with natural-killer cell deficiency and adrenal insufficiency. Last evaluated: 2018-01-12. Review status: criteria provided, single submitter. Criteria: ICSL Variant Classification Criteria 13 December 2019. Collection method: clinical testing. Allele origin: germline.
Comment: This variant was observed in the ICSL laboratory as part of a predisposition screen in an ostensibly healthy population. It had not been previously curated by ICSL or reported in the Human Gene Mutation Database (HGMD: prior to June 1st, 2018), and was therefore a candidate for classification through an automated scoring system. Utilizing variant allele frequency, disease prevalence and penetrance estimates, and inheritance mode, an automated score was calculated to assess if this variant is too frequent to cause the disease. Based on the score and internal cut-off values, a variant classified as likely benign is not then subjected to further curation. The score for this variant resulted in a classification of likely benign for this disease.